The following is an entry in ClinVar:

NM_006341.4(MAD2L2):c.554G>A (p.Arg185Gln)

Gene: MAD2L2 (mitotic arrest deficient 2 like 2; minus strand). Cytogenetic location: 1p36.22.
Variant type: single nucleotide variant.
Coding change: c.554G>A on transcript NM_006341.4 (MANE Select); coding-DNA position 554, G replaced by A.
Protein change: p.Arg185Gln; replaces arginine 185 with glutamine.
Molecular consequence: missense variant.
Genome position (GRCh38, 1-based): chr1:11,675,122, C>T on the plus strand (G>A on the coding strand, the complement: MAD2L2 is on the minus strand). VCF-style: chr1-11675122-C-T. GRCh37 (hg19) VCF-style: chr1-11735179-C-T.
Other names: c.554G>A (NM_001127325.1); c.554G>A, p.Arg185Gln (NM_001127325.2); short protein forms R185Q.
Identifiers: ClinVar variation 3697324 (VCV003697324.3).

ClinVar aggregate classification (germline): Uncertain significance. Review status: criteria provided, multiple submitters, no conflicts (2 of 4 stars). 2 submissions from 2 submitters: Uncertain significance (2). Last evaluated 2025-02-09.

gnomAD v4.1: 21 of 1,604,100 alleles (0.0013%); highest among the groups gnomAD compares: Middle Eastern, 0.15%; 1 homozygote.

Submissions (2):

Ambry Genetics
Classification: Uncertain significance. Last evaluated: 2025-02-09. Review status: criteria provided, single submitter. Criteria: Ambry Variant Classification Scheme 2023. Collection method: clinical testing. Allele origin: germline.

Labcorp Genetics (formerly Invitae), Labcorp
Classification: Uncertain significance. Last evaluated: 2024-07-12. Review status: criteria provided, single submitter. Criteria: Invitae Variant Classification Sherloc (09022015). Collection method: clinical testing. Allele origin: germline.
Comment: This sequence change replaces arginine, which is basic and polar, with glutamine, which is neutral and polar, at codon 185 of the MAD2L2 protein (p.Arg185Gln). This variant is present in population databases (rs559422464, gnomAD 0.007%). This variant has not been reported in the literature in individuals affected with MAD2L2-related conditions. An algorithm developed to predict the effect of missense changes on protein structure and function (PolyPhen-2) suggests that this variant is likely to be tolerated. In summary, the available evidence is currently insufficient to determine the role of this variant in disease. Therefore, it has been classified as a Variant of Uncertain Significance.